The following is an entry in ClinVar:

NM_002016.2(FLG):c.9835G>A (p.Ala3279Thr)

Genes: CCDST (cervical cancer associated DHX9 suppressive transcript; plus strand), FLG (filaggrin; minus strand). Cytogenetic location: 1q21.3.
Variant type: single nucleotide variant.
Coding change: c.9835G>A on transcript NM_002016.2 (MANE Select); coding-DNA position 9835, G replaced by A.
Protein change: p.Ala3279Thr; replaces alanine 3279 with threonine.
Molecular consequence: missense variant.
Genome position (GRCh38, 1-based): chr1:152,305,051, C>T on the plus strand (G>A on the coding strand, the complement: FLG is on the minus strand). VCF-style: chr1-152305051-C-T. GRCh37 (hg19) VCF-style: chr1-152277527-C-T.
Other names: short protein forms A3279T.
Identifiers: ClinVar variation 2639243 (VCV002639243.26), dbSNP rs115482787, ClinGen allele CA1103654.

ClinVar aggregate classification (germline): Likely benign. Review status: criteria provided, multiple submitters, no conflicts (2 of 4 stars). 4 submissions from 4 submitters: Likely benign (3). 1 of the submissions does not count toward it. Last evaluated 2024-11-29.

Conditions:
FLG-related disorder. Also called: FLG-related disorders; FLG-related condition.
Inborn genetic diseases. Identifiers: MedGen C0950123, MeSH D030342.

Allele frequency attached by ClinVar (database versions not stated): ESP Exome Variant Server 0.00015.
gnomAD v4.1: 212 of 1,613,710 alleles (0.013%); highest among the groups gnomAD compares: East Asian, 0.018%; 1 homozygote.

Submissions (4):

Ambry Genetics
Classification: Likely benign for Inborn genetic diseases. Last evaluated: 2024-11-29. Review status: criteria provided, single submitter. Criteria: Ambry Variant Classification Scheme 2023. Collection method: clinical testing. Allele origin: germline.

Blueprint Genetics
Classification: Likely benign. Last evaluated: 2024-11-25. Review status: criteria provided, single submitter. Criteria: ACMG Guidelines, 2015. Collection method: clinical testing. Allele origin: germline.

CeGaT Center for Human Genetics Tuebingen
Classification: Likely benign. Last evaluated: 2023-09-01. Review status: criteria provided, single submitter. Criteria: CeGaT Center For Human Genetics Tuebingen Variant Classification Criteria Version 2. Collection method: clinical testing. Allele origin: germline. Affected: yes. Observed: 1 variant allele.
Comment: FLG: BP4

PreventionGenetics, part of Exact Sciences
Classification: Uncertain significance for FLG-related condition. Last evaluated: 2024-08-26. Review status: no assertion criteria provided. Collection method: clinical testing. Allele origin: germline. Not counted in ClinVar's aggregate classification.
Comment: The FLG c.9835G>A variant is predicted to result in the amino acid substitution p.Ala3279Thr. To our knowledge, this variant has not been reported in the literature. This variant is reported in 0.030% of alleles in individuals of East Asian descent in gnomAD. At this time, the clinical significance of this variant is uncertain due to the absence of conclusive functional and genetic evidence.